The following is an entry in ClinVar:

ClinVar aggregate classification (germline): Uncertain significance (1 of 4 stars; one submission).

Conditions:
CACNA1I-related disorder. Also called: CACNA1I-related condition.

Allele frequency attached by ClinVar (database versions not stated): gnomAD exomes below 0.00001; TOPMed below 0.00001.
gnomAD v4.1: 2 of 1,613,372 alleles (0.00012%); highest among the groups gnomAD compares: South Asian, 0.0011%; no homozygotes.

Submission:

PreventionGenetics, part of Exact Sciences
Classification: Uncertain significance for CACNA1I-related condition. Last evaluated: 2025-10-15. Review status: criteria provided, single submitter. Criteria: ACMG Guidelines, 2015. Collection method: clinical testing. Allele origin: germline.
Comment: The CACNA1I c.763C>G variant is predicted to result in the amino acid substitution p.Pro255Ala. To our knowledge, this variant has not been reported in the literature or in a large population database (gnomAD), indicating this variant is rare. At this time, the clinical significance of this variant is uncertain due to the absence of conclusive functional and genetic evidence.

NM_021096.4(CACNA1I):c.763C>G (p.Pro255Ala)

Gene: CACNA1I (calcium voltage-gated channel subunit alpha1 I; plus strand). Cytogenetic location: 22q13.1.
Variant type: single nucleotide variant.
Coding change: c.763C>G on transcript NM_021096.4 (MANE Select); coding-DNA position 763, C replaced by G.
Protein change: p.Pro255Ala; replaces proline 255 with alanine.
Molecular consequence: missense variant.
Genome position (GRCh38, 1-based): chr22:39,640,889, C>G. VCF-style: chr22-39640889-C-G. GRCh37 (hg19) VCF-style: chr22-40036894-C-G.
Other names: c.763C>G, p.Pro255Ala (NM_001003406.2); short protein forms P255A.
Identifiers: ClinVar variation 3050760 (VCV003050760.3), dbSNP rs1008375623, ClinGen allele CA324444128.